The following is an entry in ClinVar:

ClinVar aggregate classification (germline): Pathogenic. Review status: criteria provided, multiple submitters, no conflicts (2 of 4 stars). 2 submissions from 2 submitters: Pathogenic (2). Last evaluated 2024-11-05.

Conditions:
Tuberous sclerosis 2 (TSC2). Identifiers: Orphanet 805, MedGen C1860707, MONDO:0013199, OMIM 613254.

Submissions (2):

Labcorp Genetics (formerly Invitae), Labcorp
Classification: Pathogenic for Tuberous sclerosis 2. Last evaluated: 2024-11-05. Review status: criteria provided, single submitter. Criteria: Invitae Variant Classification Sherloc (09022015). Collection method: clinical testing. Allele origin: germline.
Comment: This sequence change creates a premature translational stop signal (p.His1135Profs*33) in the TSC2 gene. It is expected to result in an absent or disrupted protein product. Loss-of-function variants in TSC2 are known to be pathogenic (PMID: 10205261, 17304050). This variant is not present in population databases (gnomAD no frequency). This variant has not been reported in the literature in individuals affected with TSC2-related conditions. Algorithms developed to predict the effect of sequence changes on RNA splicing suggest that this variant may disrupt the consensus splice site. For these reasons, this variant has been classified as Pathogenic.

Molecular Genetics Department, Kulakov National Medical Research Center for Obstetrics, Gynecology and Perinatology
Classification: Pathogenic for Tuberous sclerosis 2. Review status: criteria provided, single submitter. Criteria: ACMG Guidelines, 2015. Collection method: clinical testing. Allele origin: de novo. Affected: yes. Observed: 1 variant allele.
Comment: A previously undescribed heterozygous nucleotide variant creates an alteration of the canonical splice site c.3401dup in the TSC2 gene. Heterozygous variants are reported in patients with tuberous sclerosis-2, 613254. The variant is not present in population database (gnomAD no frequency). Sanger sequencing revealed that the variant arose de novo (parentage confirmed). In summary, this variant has been classified as pathogenic.

Literature cited by the submitters: PubMed 10205261 (cited by Labcorp Genetics (formerly Invitae), Labcorp); PubMed 17304050 (cited by Labcorp Genetics (formerly Invitae), Labcorp).

NM_000548.5(TSC2):c.3401dup

Gene: TSC2 (TSC complex subunit 2; plus strand). Cytogenetic location: 16p13.3.
Variant type: Duplication.
Coding change: c.3401dup on transcript NM_000548.5 (MANE Select); coding-DNA position 3401, one base duplicated (G; older notation c.3401dupG).
Genome position (GRCh38, 1-based): chr16:2,080,168, G duplicated; the last of 5 consecutive G bases (chr16:2,080,164-2,080,168); duplicating any one gives the same sequence. VCF-style (leftmost placement, unchanged base first): chr16-2080163-A-AG. GRCh37 (hg19) VCF-style: chr16-2130164-A-AG.
Identifiers: ClinVar variation 3724697 (VCV003724697.3).